The following is an entry in ClinVar:

ClinVar aggregate classification (germline): Uncertain significance (1 of 4 stars; one submission).

Conditions:
Cryopyrin associated periodic syndrome (CAPS). Identifiers: Orphanet 208650, MedGen C2316212, MONDO:0016168.

Submission:

Labcorp Genetics (formerly Invitae), Labcorp
Classification: Uncertain significance for Cryopyrin associated periodic syndrome. Last evaluated: 2021-02-17. Review status: criteria provided, single submitter. Criteria: Invitae Variant Classification Sherloc (09022015). Collection method: clinical testing. Allele origin: germline.
Comment: In summary, the available evidence is currently insufficient to determine the role of this variant in disease. Therefore, it has been classified as a Variant of Uncertain Significance. Algorithms developed to predict the effect of missense changes on protein structure and function (SIFT, PolyPhen-2, Align-GVGD) all suggest that this variant is likely to be tolerated, but these predictions have not been confirmed by published functional studies and their clinical significance is uncertain. This variant has not been reported in the literature in individuals with NLRP3-related conditions. This variant is not present in population databases (ExAC no frequency). This sequence change replaces serine with arginine at codon 740 of the NLRP3 protein (p.Ser740Arg). The serine residue is weakly conserved and there is a moderate physicochemical difference between serine and arginine.

NM_001243133.2(NLRP3):c.2214C>A (p.Ser738Arg)

Gene: NLRP3 (NLR family pyrin domain containing 3; plus strand). Cytogenetic location: 1q44.
Variant type: single nucleotide variant.
Coding change: c.2214C>A on transcript NM_001243133.2 (MANE Select); coding-DNA position 2214, C replaced by A.
Protein change: p.Ser738Arg; replaces serine 738 with arginine.
Molecular consequence: missense variant. On other transcripts: intron variant (2).
Genome position (GRCh38, 1-based): chr1:247,429,648, C>A. VCF-style: chr1-247429648-C-A. GRCh37 (hg19) VCF-style: chr1-247592950-C-A.
Other names: c.2214C>A, p.Ser738Arg (NM_001079821.3, NM_001127461.3); c.2220C>A, p.Ser740Arg (NM_004895.5); c.2150+4049C>A (NM_001127462.3, NM_183395.3); short protein forms S740R, S738R.
Identifiers: ClinVar variation 1511220 (VCV001511220.8), dbSNP rs183128734, ClinGen allele CA345559138.